The following is an entry in ClinVar:

ClinVar aggregate classification (germline): Uncertain significance (1 of 4 stars; one submission).

gnomAD v4.1: 2 of 1,605,704 alleles (0.00012%); highest among the groups gnomAD compares: Admixed American, 0.0033%; no homozygotes.

Submission:

Labcorp Genetics (formerly Invitae), Labcorp
Classification: Uncertain significance. Last evaluated: 2024-02-24. Review status: criteria provided, single submitter. Criteria: Invitae Variant Classification Sherloc (09022015). Collection method: clinical testing. Allele origin: germline.
Comment: This sequence change replaces aspartic acid, which is acidic and polar, with glutamic acid, which is acidic and polar, at codon 128 of the PCGF2 protein (p.Asp128Glu). This variant is present in population databases (rs761851035, gnomAD 0.006%). This variant has not been reported in the literature in individuals affected with PCGF2-related conditions. Advanced modeling of protein sequence and biophysical properties (such as structural, functional, and spatial information, amino acid conservation, physicochemical variation, residue mobility, and thermodynamic stability) performed at Invitae indicates that this missense variant is not expected to disrupt PCGF2 protein function with a negative predictive value of 80%. In summary, the available evidence is currently insufficient to determine the role of this variant in disease. Therefore, it has been classified as a Variant of Uncertain Significance.

NM_007144.3(PCGF2):c.384T>A (p.Asp128Glu)

Gene: PCGF2 (polycomb group ring finger 2; minus strand). Cytogenetic location: 17q12.
Variant type: single nucleotide variant.
Coding change: c.384T>A on transcript NM_007144.3 (MANE Select); coding-DNA position 384, T replaced by A.
Protein change: p.Asp128Glu; replaces aspartic acid 128 with glutamic acid.
Molecular consequence: missense variant.
Genome position (GRCh38, 1-based): chr17:38,738,794, A>T on the plus strand (T>A on the coding strand, the complement: PCGF2 is on the minus strand). VCF-style: chr17-38738794-A-T. GRCh37 (hg19) VCF-style: chr17-36895047-A-T.
Other names: c.384T>A, p.Asp128Glu (NM_001369614.1, NM_001369615.1); short protein forms D128E.
Identifiers: ClinVar variation 3614764 (VCV003614764.2).